The following is an entry in ClinVar:

ClinVar aggregate classification (germline): Uncertain significance (1 of 4 stars; one submission).

Conditions:
Leigh syndrome (NULS). Also called: Leigh's necrotizing encephalopathy; Leigh's disease; Leigh Syndrome (mtDNA deletion); Leigh Disease; Subacute necrotizing encephalopathy; Necrotizing encephalopathy infantile subacute of Leigh. Identifiers: Orphanet 506, MedGen C2931891, MONDO:0009723, OMIM 256000.

Submission:

Wong Mito Lab, Molecular and Human Genetics, Baylor College of Medicine
Classification: Uncertain significance for Leigh syndrome. Last evaluated: 2019-10-17. Review status: criteria provided, single submitter. Criteria: Modified ACMG Guidelines (Unpublished). Collection method: clinical testing. Allele origin: germline.
Comment: The NC_012920.1:m.12457G>A (YP_003024036.1:p.Ala41Thr) variant in MTND5 gene is interpretated to be a Uncertain Significance variant based on the modified ACMG guidelines (unpublished). This variant meets the following evidence codes: PP7, BP4

NC_012920.1(MT-ND5):m.12457G>A

Gene: MT-ND5 (mitochondrially encoded NADH dehydrogenase 5; plus strand).
Variant type: single nucleotide variant.
Genome position: chrM-12457-G-A.
Identifiers: ClinVar variation 693448 (VCV000693448.1), dbSNP rs1603223754, ClinGen allele CA414813249.